The following is an entry in ClinVar:

NM_003482.4(KMT2D):c.8481C>T (p.Thr2827=)

Gene: KMT2D (lysine methyltransferase 2D; minus strand). Cytogenetic location: 12q13.12.
Variant type: single nucleotide variant.
Coding change: c.8481C>T on transcript NM_003482.4 (MANE Select); coding-DNA position 8481, C replaced by T.
Protein change: p.Thr2827=; no amino-acid change (threonine 2827 retained).
Molecular consequence: synonymous variant.
Genome position (GRCh38, 1-based): chr12:49,038,875, G>A on the plus strand (C>T on the coding strand, the complement: KMT2D is on the minus strand). VCF-style: chr12-49038875-G-A. GRCh37 (hg19) VCF-style: chr12-49432658-G-A.
Identifiers: ClinVar variation 705503 (VCV000705503.13), dbSNP rs371426893, ClinGen allele CA6546833.

ClinVar aggregate classification (germline): Likely benign. Review status: criteria provided, multiple submitters, no conflicts (2 of 4 stars). 5 submissions from 5 submitters: Likely benign (4). 1 of the submissions does not count toward it. Last evaluated 2026-07-01.

Conditions:
KMT2D-related disorder. Also called: KMT2D-Related Disorders.
Kabuki syndrome. Also called: NIIKAWA-KUROKI SYNDROME; Kabuki make-up syndrome. Identifiers: Orphanet 2322, MedGen C0796004, MONDO:0016512.

Allele frequency attached by ClinVar (database versions not stated): gnomAD exomes 0.00003; ESP Exome Variant Server 0.00008; ExAC 0.00014; gnomAD 0.00016 and 0.00017; TOPMed 0.00020; 1000 Genomes Project 30x 0.00031; 1000 Genomes Project 0.00040.
gnomAD v4.1: 60 of 1,551,958 alleles (0.0039%); highest among the groups gnomAD compares: African/African-American, 0.064%; no homozygotes.

Submissions (5):

CeGaT Center for Human Genetics Tuebingen
Classification: Likely benign. Last evaluated: 2026-07-01. Review status: criteria provided, single submitter. Criteria: CeGaT Center For Human Genetics Tuebingen Variant Classification Criteria Version 2. Collection method: clinical testing. Allele origin: germline. Affected: yes. Observed: 1 variant allele.
Comment: KMT2D: BP4, BP7

Labcorp Genetics (formerly Invitae), Labcorp
Classification: Likely benign for Kabuki syndrome. Last evaluated: 2025-09-10. Review status: criteria provided, single submitter. Criteria: Invitae Variant Classification Sherloc (09022015). Collection method: clinical testing. Allele origin: germline.

GeneDx
Classification: Likely benign. Last evaluated: 2021-05-06. Review status: criteria provided, single submitter. Criteria: GeneDx Variant Classification Process June 2021. Collection method: clinical testing. Allele origin: germline. Affected: yes.

Breakthrough Genomics
Classification: Likely benign. Review status: criteria provided, single submitter. Criteria: ACMG Guidelines, 2015. Collection method: not provided. Allele origin: germline. Inheritance: Autosomal dominant inheritance. Affected: yes.

PreventionGenetics, part of Exact Sciences
Classification: Likely benign for KMT2D-related condition. Last evaluated: 2021-11-12. Review status: no assertion criteria provided. Collection method: clinical testing. Allele origin: germline. Not counted in ClinVar's aggregate classification.
Comment: This variant is classified as likely benign based on ACMG/AMP sequence variant interpretation guidelines (Richards et al. 2015 PMID: 25741868, with internal and published modifications).